The following is an entry in ClinVar:

NM_153676.4(USH1C):c.627G>C (p.Glu209Asp)

Gene: USH1C (USH1 protein network component harmonin; minus strand). Cytogenetic location: 11p15.1.
Variant type: single nucleotide variant.
Coding change: c.627G>C on transcript NM_153676.4 (MANE Select); coding-DNA position 627, G replaced by C.
Protein change: p.Glu209Asp; replaces glutamic acid 209 with aspartic acid.
Molecular consequence: missense variant. On other transcripts: non-coding transcript variant (1).
Genome position (GRCh38, 1-based): chr11:17,526,394, C>G on the plus strand (G>C on the coding strand, the complement: USH1C is on the minus strand). VCF-style: chr11-17526394-C-G. GRCh37 (hg19) VCF-style: chr11-17547941-C-G.
Other names: c.627G>C, p.Glu209Asp (NM_001297764.2, NM_005709.4); short protein forms E209D.
Identifiers: ClinVar variation 2089580 (VCV002089580.4), dbSNP rs1158170299, ClinGen allele CA379793515.

ClinVar aggregate classification (germline): Uncertain significance (1 of 4 stars; one submission).

gnomAD v4.1: 1 of 1,614,098 alleles (0.000062%); highest among the groups gnomAD compares: Non-Finnish European, 0.000085%; no homozygotes.

Submission:

Labcorp Genetics (formerly Invitae), Labcorp
Classification: Uncertain significance. Last evaluated: 2022-01-26. Review status: criteria provided, single submitter. Criteria: Invitae Variant Classification Sherloc (09022015). Collection method: clinical testing. Allele origin: germline.
Comment: In summary, the available evidence is currently insufficient to determine the role of this variant in disease. Therefore, it has been classified as a Variant of Uncertain Significance. Algorithms developed to predict the effect of missense changes on protein structure and function are either unavailable or do not agree on the potential impact of this missense change (SIFT: "Deleterious"; PolyPhen-2: "Benign"; Align-GVGD: "Class C0"). This variant has not been reported in the literature in individuals affected with USH1C-related conditions. This variant is not present in population databases (gnomAD no frequency). This sequence change replaces glutamic acid, which is acidic and polar, with aspartic acid, which is acidic and polar, at codon 209 of the USH1C protein (p.Glu209Asp).